The following is an entry in ClinVar:

ClinVar aggregate classification (germline): Uncertain significance (1 of 4 stars; one submission).

Submission:

Labcorp Genetics (formerly Invitae), Labcorp
Classification: Uncertain significance. Last evaluated: 2024-06-22. Review status: criteria provided, single submitter. Criteria: Invitae Variant Classification Sherloc (09022015). Collection method: clinical testing. Allele origin: germline.
Comment: This variant, c.294_296del, results in the deletion of 1 amino acid(s) of the TRAPPC2 protein (p.Phe99del), but otherwise preserves the integrity of the reading frame. This variant is not present in population databases (gnomAD no frequency). This variant has not been reported in the literature in individuals affected with TRAPPC2-related conditions. Experimental studies and prediction algorithms are not available or were not evaluated, and the functional significance of this variant is currently unknown. In summary, the available evidence is currently insufficient to determine the role of this variant in disease. Therefore, it has been classified as a Variant of Uncertain Significance.

NM_001011658.4(TRAPPC2):c.291CTT[1] (p.Phe99del)

Genes: OFD1 (OFD1 centriole and centriolar satellite protein; plus strand), TRAPPC2 (trafficking protein particle complex subunit 2; minus strand). Cytogenetic location: Xp22.2.
Variant type: Microsatellite.
Coding change: c.291CTT[1] on transcript NM_001011658.4 (MANE Select); one copy of the 3-base unit CTT starting at c.291; the reference has two copies in a row; one copy, 3 bases deleted.
Protein change: p.Phe99del; deletes phenylalanine 99.
Genome position (GRCh38, 1-based): chrX:13,716,032-13,716,034, AAG deleted on the plus strand (CTT on the coding strand, the reverse complement: TRAPPC2 is on the minus strand); deleting any 3 consecutive bases within chrX:13,716,032-13,716,037 gives the same sequence; the position shown is the placement nearest the transcript's 3' end. VCF-style (leftmost placement, unchanged base first): chrX-13716031-AAAG-A. GRCh37 (hg19) VCF-style: chrX-13734150-AAAG-A.
Other names: c.393CTT[1], p.Phe133del (NM_001128835.3); c.291CTT[1], p.Phe99del (NM_014563.6); short protein forms F133del, F99del.
Identifiers: ClinVar variation 3645838 (VCV003645838.2).